The following is an entry in ClinVar:

NM_006019.4(TCIRG1):c.1531C>A (p.Pro511Thr)

Gene: TCIRG1 (T cell immune regulator 1, ATPase H+ transporting V0 subunit a3; plus strand). Cytogenetic location: 11q13.2.
Variant type: single nucleotide variant.
Coding change: c.1531C>A on transcript NM_006019.4 (MANE Select); coding-DNA position 1531, C replaced by A.
Protein change: p.Pro511Thr; replaces proline 511 with threonine.
Molecular consequence: missense variant.
Genome position (GRCh38, 1-based): chr11:68,047,949, C>A. VCF-style: chr11-68047949-C-A. GRCh37 (hg19) VCF-style: chr11-67815416-C-A.
Other names: c.637C>A, p.Pro213Thr (NM_001351059.2); c.883C>A, p.Pro295Thr (NM_006053.4); short protein forms P213T, P511T, P295T.
Identifiers: ClinVar variation 2313854 (VCV002313854.4), dbSNP rs1046252307, ClinGen allele CA224208697.

ClinVar aggregate classification (germline): Uncertain significance. Review status: criteria provided, multiple submitters, no conflicts (2 of 4 stars). 3 submissions from 3 submitters: Uncertain significance (3). Last evaluated 2025-05-15.

Conditions:
Inborn genetic diseases. Identifiers: MedGen C0950123, MeSH D030342.

Allele frequency attached by ClinVar (database versions not stated): TOPMed below 0.00001; gnomAD exomes 0.00001.
gnomAD v4.1: 11 of 1,613,862 alleles (0.00068%); highest among the groups gnomAD compares: Non-Finnish European, 0.00093%; no homozygotes.

Submissions (3):

Labcorp Genetics (formerly Invitae), Labcorp
Classification: Uncertain significance. Last evaluated: 2025-05-15. Review status: criteria provided, single submitter. Criteria: Invitae Variant Classification Sherloc (09022015). Collection method: clinical testing. Allele origin: germline.
Comment: This sequence change replaces proline, which is neutral and non-polar, with threonine, which is neutral and polar, at codon 511 of the TCIRG1 protein (p.Pro511Thr). This variant is not present in population databases (gnomAD no frequency). This variant has not been reported in the literature in individuals affected with TCIRG1-related conditions. ClinVar contains an entry for this variant (Variation ID: 2313854). Invitae Evidence Modeling of protein sequence and biophysical properties (such as structural, functional, and spatial information, amino acid conservation, physicochemical variation, residue mobility, and thermodynamic stability) indicates that this missense variant is not expected to disrupt TCIRG1 protein function with a negative predictive value of 80%. In summary, the available evidence is currently insufficient to determine the role of this variant in disease. Therefore, it has been classified as a Variant of Uncertain Significance.

Ambry Genetics
Classification: Uncertain significance for Inborn genetic diseases. Last evaluated: 2022-09-27. Review status: criteria provided, single submitter. Criteria: Ambry Variant Classification Scheme 2023. Collection method: clinical testing. Allele origin: germline.

Blueprint Genetics
Classification: Uncertain significance. Last evaluated: 2021-12-22. Review status: criteria provided, single submitter. Criteria: ACMG Guidelines, 2015. Collection method: clinical testing. Allele origin: germline.